The following is an entry in ClinVar:

ClinVar aggregate classification (germline): Uncertain significance (1 of 4 stars; one submission).

Conditions:
KBG syndrome (KBGS). Also called: ANKRD11-Related KBG Syndrome. Identifiers: Orphanet 2332, MedGen C0220687, MONDO:0007846, OMIM 148050.

gnomAD v4.1: 6 of 1,613,648 alleles (0.00037%); highest among the groups gnomAD compares: African/African-American, 0.0067%; no homozygotes.

Submission:

Labcorp Genetics (formerly Invitae), Labcorp
Classification: Uncertain significance for KBG syndrome. Last evaluated: 2024-10-27. Review status: criteria provided, single submitter. Criteria: Invitae Variant Classification Sherloc (09022015). Collection method: clinical testing. Allele origin: germline.
Comment: This sequence change replaces phenylalanine, which is neutral and non-polar, with tyrosine, which is neutral and polar, at codon 476 of the ANKRD11 protein (p.Phe476Tyr). This variant is present in population databases (rs141997519, gnomAD 0.03%). This variant has not been reported in the literature in individuals affected with ANKRD11-related conditions. Invitae Evidence Modeling of protein sequence and biophysical properties (such as structural, functional, and spatial information, amino acid conservation, physicochemical variation, residue mobility, and thermodynamic stability) indicates that this missense variant is not expected to disrupt ANKRD11 protein function with a negative predictive value of 95%. In summary, the available evidence is currently insufficient to determine the role of this variant in disease. Therefore, it has been classified as a Variant of Uncertain Significance.

NM_013275.6(ANKRD11):c.1427T>A (p.Phe476Tyr)

Gene: ANKRD11 (ankyrin repeat domain 11; minus strand). Cytogenetic location: 16q24.3.
Variant type: single nucleotide variant.
Coding change: c.1427T>A on transcript NM_013275.6 (MANE Select); coding-DNA position 1427, T replaced by A.
Protein change: p.Phe476Tyr; replaces phenylalanine 476 with tyrosine.
Molecular consequence: missense variant.
Genome position (GRCh38, 1-based): chr16:89,285,115, A>T on the plus strand (T>A on the coding strand, the complement: ANKRD11 is on the minus strand). VCF-style: chr16-89285115-A-T. GRCh37 (hg19) VCF-style: chr16-89351523-A-T.
Other names: c.1427T>A, p.Phe476Tyr (NM_001256182.2, NM_001256183.2); short protein forms F476Y.
Identifiers: ClinVar variation 3662248 (VCV003662248.2).